The following is an entry in ClinVar:

NM_020975.6(RET):c.3333G>A (p.Thr1111=)

Gene: RET (ret proto-oncogene; plus strand). Cytogenetic location: 10q11.21.
Variant type: single nucleotide variant.
Coding change: c.3333G>A on transcript NM_020975.6 (MANE Select); coding-DNA position 3333, G replaced by A.
Protein change: p.Thr1111=; no amino-acid change (threonine 1111 retained).
Molecular consequence: synonymous variant.
Genome position (GRCh38, 1-based): chr10:43,128,257, G>A. VCF-style: chr10-43128257-G-A. GRCh37 (hg19) VCF-style: chr10-43623705-G-A.
Other names: c.3333G>A (LRG_518t1).
Identifiers: ClinVar variation 241362 (VCV000241362.24), dbSNP rs753203348, ClinGen allele CA055099.
Genomic context (GRCh38, chr10:43,128,257, plus strand): 5'-AAATGATAGTGTATATGCTAACTGGATGCTTTCACCCTCAGCGGCAAAATTAATGGACAC[G>A]TTTGATAGTTAACATTTCTTTGTGAAAGGTAATGGACTCACAAGGGGAAGAAACATGCTG-3'
Protein context (NP_066124.1, residues 1101-1114): LSPSAAKLMD[Thr1111=]FDS

ClinVar aggregate classification (germline): Likely benign. Review status: criteria provided, multiple submitters, no conflicts (2 of 4 stars). 4 submissions from 4 submitters: Likely benign (4). Last evaluated 2025-12-29.

Conditions:
Multiple endocrine neoplasia, type 2 (MEN2). Identifiers: Orphanet 653, MedGen C4048306, MONDO:0019003. Disease mechanism: gain of function.
Hereditary cancer-predisposing syndrome. Also called: Tumor predisposition; Hereditary Cancer Syndrome; Neoplastic Syndromes, Hereditary; Hereditary neoplastic syndrome. Identifiers: Orphanet 140162, MedGen C0027672, MeSH D009386, MONDO:0015356.

Allele frequency attached by ClinVar (database versions not stated): gnomAD 0.00001; gnomAD exomes 0.00001; ExAC 0.00002; TOPMed 0.00002.

Submissions (4):

Labcorp Genetics (formerly Invitae), Labcorp
Classification: Likely benign for Multiple endocrine neoplasia, type 2. Last evaluated: 2025-12-29. Review status: criteria provided, single submitter. Criteria: Invitae Variant Classification Sherloc (09022015). Collection method: clinical testing. Allele origin: germline.

CeGaT Center for Human Genetics Tuebingen
Classification: Likely benign. Last evaluated: 2025-08-01. Review status: criteria provided, single submitter. Criteria: CeGaT Center For Human Genetics Tuebingen Variant Classification Criteria Version 2. Collection method: clinical testing. Allele origin: germline. Affected: yes. Observed: 1 variant allele.
Comment: RET: BP4, BP7

Color Diagnostics, LLC DBA Color Health
Classification: Likely benign for Multiple endocrine neoplasia, type 2. Last evaluated: 2022-09-29. Review status: criteria provided, single submitter. Criteria: ACMG Guidelines, 2015. Collection method: clinical testing. Allele origin: germline.

Ambry Genetics
Classification: Likely benign for Hereditary cancer-predisposing syndrome. Last evaluated: 2019-12-13. Review status: criteria provided, single submitter. Criteria: Ambry Variant Classification Scheme 2023. Collection method: clinical testing. Allele origin: germline.